The following is an entry in ClinVar:

NM_001034853.2(RPGR):c.2057T>A (p.Met686Lys)

Gene: RPGR (retinitis pigmentosa GTPase regulator; minus strand). Cytogenetic location: Xp11.4.
Variant type: single nucleotide variant.
Coding change: c.2057T>A on transcript NM_001034853.2 (MANE Select); coding-DNA position 2057, T replaced by A.
Protein change: p.Met686Lys; replaces methionine 686 with lysine.
Molecular consequence: missense variant. On other transcripts: intron variant (8).
Genome position (GRCh38, 1-based): chrX:38,286,942, A>T on the plus strand (T>A on the coding strand, the complement: RPGR is on the minus strand). VCF-style: chrX-38286942-A-T. GRCh37 (hg19) VCF-style: chrX-38146195-A-T.
Other names: NM_001034853.2(RPGR):c.2057T>A; p.Met686Lys; c.1569+4017T>A (NM_001367249.1, NM_001367250.1); c.1902+152T>A (NM_001367245.1); c.1386+4017T>A (NM_001367251.1); c.1719+152T>A (NM_001367246.1); c.1572+4017T>A (NM_001367247.1); c.1905+152T>A (NM_000328.3); and 1 more; short protein forms M686K.
Identifiers: ClinVar variation 1276872 (VCV001276872.52), dbSNP rs151247357, ClinGen allele CA10385310.

ClinVar aggregate classification (germline): Benign. Review status: reviewed by expert panel (3 of 4 stars). 8 submissions from 8 submitters: Benign (1). 7 of the submissions do not count toward it. Last evaluated 2025-08-04.

Conditions:
Retinitis pigmentosa 3. Also called: CHOROIDORETINAL DEGENERATION WITH RETINAL REFLEX IN HETEROZYGOUS WOMEN. Identifiers: Orphanet 791, MedGen C1845667, MONDO:0010227, OMIM 300029.
Retinitis pigmentosa, X-linked, and sinorespiratory infections, with or without deafness (RPSRDF). Identifiers: Orphanet 247522, MedGen C2749137, OMIM 300455.
X-linked cone-rod dystrophy 1 (CORDX1). Identifiers: Orphanet 1872, MedGen C1844776, MONDO:0010566, OMIM 304020.
Macular degeneration, X-linked atrophic. Identifiers: Orphanet 1872, MedGen C3151784, MONDO:0010443, OMIM 300834.
Primary ciliary dyskinesia. Also called: Ciliary dyskinesia. Identifiers: Orphanet 244, MedGen C0008780, MONDO:0016575, HP:0012265.
RPGR-related retinopathy. Also called: RPGR retinopathy. Identifiers: MedGen CN305589, MONDO:0100437.

Allele frequency attached by ClinVar (database versions not stated): gnomAD exomes 0.00145 and 0.00422; ExAC 0.00478; gnomAD 0.00769 and 0.00794; ESP Exome Variant Server 0.00805; TOPMed 0.00824; 1000 Genomes Project 0.00848; 1000 Genomes Project 30x 0.01020.
gnomAD v4.1: 2,439 of 1,198,546 alleles (0.2%); highest among the groups gnomAD compares: African/African-American, 2.6%; 18 homozygotes.

Submissions (8):

ClinGen X-linked Inherited Retinal Disease Variant Curation Expert Panel, ClinGen
Classification: Benign for RPGR-related retinopathy. Last evaluated: 2025-08-04. Review status: reviewed by expert panel. Criteria: ClinGen X LinkedIRD ACMG Specifications RPGR V1.0.0. Collection method: curation. Allele origin: germline. Inheritance: X-linked inheritance.
Comment: NM_001034853.2(RPGR):c.2057T>A (p.Met686Lys) is a missense variant predicted to cause substitution of methionine by lysine at amino acid 686. This variant is present in gnomAD v.4.1.0 at a frequency of 0.002245 among hemizygous individuals, with 874 variant alleles / 389,312 total hemizygous alleles, which is higher than the ClinGen X-linked IRD VCEP BA1 threshold of >0.00005 (BA1). This variant has been observed in at least 3 affected male individuals with features consistent with retinopathy, but was not considered to be the causal variant PMID: 33846575, 24938718). The computational predictor REVEL gives a score of 0.014, which is below the ClinGen X-linked IRD VCEP threshold of < 0.016 and predicts a non-damaging effect on RPGR function. Additionally, the splicing impact predictor SpliceAI gives a delta score of 0.01, which is below the ClinGen X-linked IRD VCEP recommended threshold of <0.2 and does not strongly predict an impact on splicing (BP4_Strong). In summary, this variant is classified as benign for RPGR-related retinopathy based on the ClinGen X-linked Inherited Retinal Disease Expert Panel Specifications to the ACMG/AMP Variant Interpretation Guidelines for RPGR Version 1.0.0; BA1 and BP4_Strong. (date of approval 05/16/2025).

Labcorp Genetics (formerly Invitae), Labcorp
Classification: Benign for Primary ciliary dyskinesia. Last evaluated: 2026-02-02. Review status: criteria provided, single submitter. Criteria: Invitae Variant Classification Sherloc (09022015). Collection method: clinical testing. Allele origin: germline. Not counted in ClinVar's aggregate classification.

CeGaT Center for Human Genetics Tuebingen
Classification: Benign. Last evaluated: 2024-02-01. Review status: criteria provided, single submitter. Criteria: CeGaT Center For Human Genetics Tuebingen Variant Classification Criteria Version 2. Collection method: clinical testing. Allele origin: germline. Affected: yes. Observed: 3 variant alleles. Not counted in ClinVar's aggregate classification.
Comment: RPGR: BP4, BS1, BS2

Victorian Clinical Genetics Services, Murdoch Childrens Research Institute
Classification: Likely benign for Macular degeneration, X-linked atrophic. Last evaluated: 2023-07-17. Review status: criteria provided, single submitter. Criteria: ACMG Guidelines, 2015. Collection method: clinical testing. Allele origin: germline. Inheritance: X-linked recessive inheritance. Not counted in ClinVar's aggregate classification.
Comment: Based on the classification scheme VCGS_Germline_v1.3.4, this variant is classified as likely benign. Following criteria are met: 0308 - Population frequency for this variant is out of keeping with known incidence of macular degeneration, X-linked atrophic (MIM#300834), with 188 hemizygotes and 7 homozygotes in gnomAD v3. (SB) Legend: (SP) - Supporting pathogenic, (I) - Information, (SB) - Supporting benign

Fulgent Genetics
Classification: Likely benign for Retinitis pigmentosa 3; Retinitis pigmentosa, X-linked, and sinorespiratory infections, with or without deafness; Macular degeneration, X-linked atrophic; X-linked cone-rod dystrophy 1. Last evaluated: 2022-03-31. Review status: criteria provided, single submitter. Criteria: ACMG Guidelines, 2015. Collection method: clinical testing. Allele origin: unknown. Not counted in ClinVar's aggregate classification.

GeneDx
Classification: Benign. Last evaluated: 2021-04-02. Review status: criteria provided, single submitter. Criteria: GeneDx Variant Classification Process June 2021. Collection method: clinical testing. Allele origin: germline. Affected: yes. Not counted in ClinVar's aggregate classification.

PreventionGenetics, part of Exact Sciences
Classification: Benign. Last evaluated: 2019-11-27. Review status: criteria provided, single submitter. Criteria: ACMG Guidelines, 2015. Collection method: clinical testing. Allele origin: germline. Not counted in ClinVar's aggregate classification.

Breakthrough Genomics
Classification: Benign. Review status: criteria provided, single submitter. Criteria: ACMG Guidelines, 2015. Collection method: not provided. Allele origin: germline. Inheritance: X-linked inheritance. Affected: yes. Not counted in ClinVar's aggregate classification.